The following is an entry in ClinVar:

NM_033118.4(MYLK2):c.1282G>T (p.Gly428Cys)

Gene: MYLK2 (myosin light chain kinase 2; plus strand). Cytogenetic location: 20q11.21.
Variant type: single nucleotide variant.
Coding change: c.1282G>T on transcript NM_033118.4 (MANE Select); coding-DNA position 1282, G replaced by T.
Protein change: p.Gly428Cys; replaces glycine 428 with cysteine.
Molecular consequence: missense variant.
Genome position (GRCh38, 1-based): chr20:31,830,876, G>T. VCF-style: chr20-31830876-G-T. GRCh37 (hg19) VCF-style: chr20-30418679-G-T.
Other names: short protein forms G428C.
Identifiers: ClinVar variation 1448767 (VCV001448767.8), dbSNP rs2123139554, ClinGen allele CA408527529.
Genomic context (GRCh38, chr20:31,830,876, plus strand): 5'-CAGCCAGAGAACATCCTGTGTGTCAACACCACCGGGCATTTGGTGAAGATCATTGACTTT[G>T]GCCTGGCACGGAGGTACCACCTGGGTGGGTGGGGAGGGCAAGACAAGCCTCTGAGTTGGC-3'
Protein context (NP_149109.1, residues 418-438): TGHLVKIIDF[Gly428Cys]LARRYNPNEK

ClinVar aggregate classification (germline): Uncertain significance (1 of 4 stars; one submission).

Conditions:
Hypertrophic cardiomyopathy 1 (CMH1). Also called: Familial hypertrophic cardiomyopathy 1; MYH7-Related Familial Hypertrophic Cardiomyopathy. Identifiers: MedGen C3495498, MONDO:0008647, OMIM 192600.

Submission:

Labcorp Genetics (formerly Invitae), Labcorp
Classification: Uncertain significance for Hypertrophic cardiomyopathy 1. Last evaluated: 2022-09-13. Review status: criteria provided, single submitter. Criteria: Invitae Variant Classification Sherloc (09022015). Collection method: clinical testing. Allele origin: germline.
Comment: This variant has not been reported in the literature in individuals affected with MYLK2-related conditions. In summary, the available evidence is currently insufficient to determine the role of this variant in disease. Therefore, it has been classified as a Variant of Uncertain Significance. Advanced modeling of protein sequence and biophysical properties (such as structural, functional, and spatial information, amino acid conservation, physicochemical variation, residue mobility, and thermodynamic stability) performed at Invitae indicates that this missense variant is expected to disrupt MYLK2 protein function. ClinVar contains an entry for this variant (Variation ID: 1448767). This variant is not present in population databases (gnomAD no frequency). This sequence change replaces glycine, which is neutral and non-polar, with cysteine, which is neutral and slightly polar, at codon 428 of the MYLK2 protein (p.Gly428Cys).